The following is an entry in ClinVar:

ClinVar aggregate classification (germline): Benign. Review status: criteria provided, multiple submitters, no conflicts (2 of 4 stars). 4 submissions from 4 submitters: Benign (4). Last evaluated 2024-01-24.

Conditions:
Lysinuric protein intolerance (LPI). Identifiers: Orphanet 470, MedGen C0268647, MONDO:0009109, OMIM 222700.

Allele frequency attached by ClinVar (database versions not stated): ESP Exome Variant Server 0.19422; gnomAD 0.20244 and 0.20939; TOPMed 0.20506; gnomAD exomes 0.25119; 1000 Genomes Project 30x 0.22970; 1000 Genomes Project 0.23403.
gnomAD v4.1: 398,616 of 1,611,782 alleles (25%); highest among the groups gnomAD compares: East Asian, 38%; 51,581 homozygotes.

Submissions (4):

Unidad de Genómica Garrahan, Hospital de Pediatría Garrahan
Classification: Benign. Last evaluated: 2024-01-24. Review status: criteria provided, single submitter. Criteria: ACMG Guidelines, 2015. Collection method: clinical testing. Allele origin: germline. Affected: no. Observed: 47 variant alleles.
Comment: This variant is classified as Benign based on local population frequency. This variant was detected in 49% of patients studied by a panel of primary immunodeficiencies. Number of patients: 47. Only high quality variants are reported.

Genome-Nilou Lab
Classification: Benign for Lysinuric protein intolerance. Last evaluated: 2021-07-10. Review status: criteria provided, single submitter. Criteria: ACMG Guidelines, 2015. Collection method: clinical testing. Allele origin: germline. Affected: no.

GeneDx
Classification: Benign. Last evaluated: 2018-06-29. Review status: criteria provided, single submitter. Criteria: GeneDx Variant Classification Process June 2021. Collection method: clinical testing. Allele origin: germline. Affected: yes.

Breakthrough Genomics
Classification: Benign. Review status: criteria provided, single submitter. Criteria: ACMG Guidelines, 2015. Collection method: not provided. Allele origin: germline. Inheritance: Autosomal recessive inheritance. Affected: yes.

NM_003982.4(SLC7A7):c.500-32T>C

Gene: SLC7A7 (solute carrier family 7 member 7; minus strand). Cytogenetic location: 14q11.2.
Variant type: single nucleotide variant.
Coding change: c.500-32T>C on transcript NM_003982.4 (MANE Select); 32 bases into the intron before coding-DNA position 500, T replaced by C.
Molecular consequence: intron variant.
Genome position (GRCh38, 1-based): chr14:22,780,083, A>G on the plus strand (T>C on the coding strand, the complement: SLC7A7 is on the minus strand). VCF-style: chr14-22780083-A-G. GRCh37 (hg19) VCF-style: chr14-23249292-A-G.
Other names: c.500-32T>C (NM_001126106.4, NM_001126105.3).
Identifiers: ClinVar variation 1177844 (VCV001177844.7), dbSNP rs11568429, ClinGen allele CA7104681.